The following is an entry in ClinVar:

NM_005359.6(SMAD4):c.457C>T (p.Pro153Ser)

Gene: SMAD4 (SMAD family member 4; plus strand). Cytogenetic location: 18q21.2.
Variant type: single nucleotide variant.
Coding change: c.457C>T on transcript NM_005359.6 (MANE Select); coding-DNA position 457, C replaced by T.
Protein change: p.Pro153Ser; replaces proline 153 with serine.
Molecular consequence: missense variant.
Genome position (GRCh38, 1-based): chr18:51,054,783, C>T. VCF-style: chr18-51054783-C-T. GRCh37 (hg19) VCF-style: chr18-48581153-C-T.
Other names: p.Pro153Ser; short protein forms P153S.
Identifiers: ClinVar variation 649107 (VCV000649107.20), dbSNP rs751763157, ClinGen allele CA8965817.

ClinVar aggregate classification (germline): Conflicting classifications of pathogenicity. Review status: criteria provided, conflicting classifications (1 of 4 stars). 6 submissions from 6 submitters: Uncertain significance (5); Likely benign (1). Last evaluated 2025-12-18.

Conditions:
Familial thoracic aortic aneurysm and aortic dissection (TAAD). Also called: Thoracic aortic aneurysms and dissections. Identifiers: Orphanet 91387, MedGen C4707243, MONDO:0019625.
Hereditary cancer-predisposing syndrome. Also called: Neoplastic Syndromes, Hereditary; Tumor predisposition; Hereditary neoplastic syndrome; Hereditary Cancer Syndrome. Identifiers: Orphanet 140162, MedGen C0027672, MeSH D009386, MONDO:0015356.
SMAD4-related disorder. Also called: SMAD4-related condition; SMAD4-Related disorders.
Juvenile polyposis/hereditary hemorrhagic telangiectasia syndrome (JPHT). Also called: JP/HHT SYNDROME; JUVENILE POLYPOSIS WITH HEREDITARY HEMORRHAGIC TELANGIECTASIA; POLYPOSIS, GENERALIZED JUVENILE, WITH PULMONARY ARTERIOVENOUS MALFORMATION; Juvenile Polyposis Syndrome / Hereditary Hemorrhagic Telangiectasia (JPS/HHT); TELANGIECTASIA, HEREDITARY HEMORRHAGIC, WITH JUVENILE POLYPOSIS COLI. Identifiers: Orphanet 2929, MedGen C1832942, MONDO:0008278, OMIM 175050.
Juvenile polyposis syndrome (JPS). Identifiers: Orphanet 2929, MedGen C0345893, MONDO:0017380, OMIM 174900.

Allele frequency attached by ClinVar (database versions not stated): gnomAD exomes below 0.00001; TOPMed below 0.00001; ExAC 0.00001; gnomAD 0.00001.
gnomAD v4.1: 4 of 1,606,512 alleles (0.00025%); highest among the groups gnomAD compares: Admixed American, 0.0017%; no homozygotes.

Submissions (6):

PreventionGenetics, part of Exact Sciences
Classification: Uncertain significance for SMAD4-related condition. Last evaluated: 2025-12-18. Review status: criteria provided, single submitter. Criteria: ACMG Guidelines, 2015. Collection method: clinical testing. Allele origin: germline.
Comment: The SMAD4 c.457C>T variant is predicted to result in the amino acid substitution p.Pro153Ser. This variant has been reported in the literature in an individual with colorectal cancer (Supp. Table 2, DeRycke et al. 2017. PubMed ID: 28944238). This variant is reported in 0.0062% of alleles in individuals of African descent in gnomAD. This variant is interpreted as uncertain in ClinVar (Variation ID: 649107). At this time, the clinical significance of this variant is uncertain due to the absence of conclusive functional and genetic evidence.

Labcorp Genetics (formerly Invitae), Labcorp
Classification: Likely benign for Juvenile polyposis syndrome. Last evaluated: 2025-09-22. Review status: criteria provided, single submitter. Criteria: Invitae Variant Classification Sherloc (09022015). Collection method: clinical testing. Allele origin: germline.

Mayo Clinic Laboratories, Mayo Clinic
Classification: Uncertain significance. Last evaluated: 2025-07-01. Review status: criteria provided, single submitter. Criteria: ACMG Guidelines, 2015. Collection method: clinical testing. Allele origin: germline. Observed: 1 variant allele.
Comment: PM2_supporting

Ambry Genetics
Classification: Uncertain significance for Hereditary cancer-predisposing syndrome; Familial thoracic aortic aneurysm and aortic dissection. Last evaluated: 2024-09-15. Review status: criteria provided, single submitter. Criteria: Ambry Variant Classification Scheme 2023. Collection method: clinical testing. Allele origin: germline.
Comment: The p.P153S variant (also known as c.457C>T), located in coding exon 4 of the SMAD4 gene, results from a C to T substitution at nucleotide position 457. The proline at codon 153 is replaced by serine, an amino acid with similar properties. This variant was reported in a study of 1231 colorectal cancer cases and 93 unaffected controls who underwent multigene panel testing; it was seen in 1/548 colorectal cancer cases unselected by tumor immunohistochemistry or microsatellite stability testing (DeRycke MS et al. Mol Genet Genomic Med. 2017 Sep;5:553-569). This amino acid position is highly conserved in available vertebrate species. In addition, the in silico prediction for this alteration is inconclusive. Since supporting evidence is limited at this time, the clinical significance of this alteration remains unclear.

Women's Health and Genetics/Laboratory Corporation of America, LabCorp
Classification: Uncertain significance. Last evaluated: 2023-07-21. Review status: criteria provided, single submitter. Criteria: LabCorp Variant Classification Summary - May 2015. Collection method: clinical testing. Allele origin: germline.

Baylor Genetics
Classification: Uncertain significance for Juvenile polyposis/hereditary hemorrhagic telangiectasia syndrome. Last evaluated: 2023-06-14. Review status: criteria provided, single submitter. Criteria: ACMG Guidelines, 2015. Collection method: clinical testing. Allele origin: unknown.

Literature cited by the submitters: PubMed 28944238 (cited by Mayo Clinic Laboratories, Mayo Clinic and Ambry Genetics).